The following is an entry in ClinVar:

ClinVar aggregate classification (germline): Uncertain significance (1 of 4 stars; one submission).

Allele frequency attached by ClinVar (database versions not stated): gnomAD exomes below 0.00001.
gnomAD v4.1: 1 of 1,613,478 alleles (0.000062%); highest among the groups gnomAD compares: Admixed American, 0.0017%; no homozygotes.

Submission:

Labcorp Genetics (formerly Invitae), Labcorp
Classification: Uncertain significance. Last evaluated: 2023-08-20. Review status: criteria provided, single submitter. Criteria: Invitae Variant Classification Sherloc (09022015). Collection method: clinical testing. Allele origin: germline.
Comment: In summary, the available evidence is currently insufficient to determine the role of this variant in disease. Therefore, it has been classified as a Variant of Uncertain Significance. Algorithms developed to predict the effect of sequence changes on RNA splicing suggest that this variant may disrupt the consensus splice site. This variant has not been reported in the literature in individuals affected with COL4A1-related conditions. This variant is present in population databases (no rsID available, gnomAD 0.003%). This sequence change falls in intron 23 of the COL4A1 gene. It does not directly change the encoded amino acid sequence of the COL4A1 protein.

NM_001845.6(COL4A1):c.1466-15T>G

Gene: COL4A1 (collagen type IV alpha 1 chain; minus strand). Cytogenetic location: 13q34.
Variant type: single nucleotide variant.
Coding change: c.1466-15T>G on transcript NM_001845.6 (MANE Select); 15 bases into the intron before coding-DNA position 1466, T replaced by G.
Molecular consequence: intron variant.
Genome position (GRCh38, 1-based): chr13:110,192,299, A>C on the plus strand (T>G on the coding strand, the complement: COL4A1 is on the minus strand). VCF-style: chr13-110192299-A-C. GRCh37 (hg19) VCF-style: chr13-110844646-A-C.
Other names: c.1466-15T>G (NM_001303110.2).
Identifiers: ClinVar variation 2889780 (VCV002889780.3), dbSNP rs1251510708, ClinGen allele CA612628112.